The following is an entry in ClinVar:

NM_001100913.3(PACS2):c.2548A>C (p.Ile850Leu)

Gene: PACS2 (phosphofurin acidic cluster sorting protein 2; plus strand). Cytogenetic location: 14q32.33.
Variant type: single nucleotide variant.
Coding change: c.2548A>C on transcript NM_001100913.3 (MANE Select); coding-DNA position 2548, A replaced by C.
Protein change: p.Ile850Leu; replaces isoleucine 850 with leucine.
Molecular consequence: missense variant.
Genome position (GRCh38, 1-based): chr14:105,393,287, A>C. VCF-style: chr14-105393287-A-C. GRCh37 (hg19) VCF-style: chr14-105859624-A-C.
Other names: c.2278A>C, p.Ile760Leu (NM_001243127.3); c.2503A>C, p.Ile835Leu (NM_015197.4); short protein forms I760L, I835L, I850L.
Identifiers: ClinVar variation 3765923 (VCV003765923.1).
Genomic context (GRCh38, chr14:105,393,287, plus strand): 5'-TTTCTGCCCAAGAAAGCGAAGGACAAGGACGTGGAGTCTAAGAGCCAGTGCATTGAGGGC[A>C]TCAGCCGGCTCATCTGCACTGCCAGGCAGCAGCAGAACATGCTGCGGGGTGAGCACCACC-3'
Protein context (NP_001094383.2, residues 840-860): VESKSQCIEG[Ile850Leu]SRLICTARQQ

ClinVar aggregate classification (germline): Uncertain significance (1 of 4 stars; one submission).

Submission:

GeneDx
Classification: Uncertain significance. Last evaluated: 2024-08-30. Review status: criteria provided, single submitter. Criteria: GeneDx Variant Classification Process June 2021. Collection method: clinical testing. Allele origin: germline. Affected: yes.
Comment: Not observed at significant frequency in large population cohorts (gnomAD); In silico analysis indicates that this missense variant does not alter protein structure/function; Has not been previously published as pathogenic or benign to our knowledge